The following is an entry in ClinVar:

ClinVar aggregate classification (germline): Pathogenic. Review status: criteria provided, single submitter (1 of 4 stars). 3 submissions from 3 submitters: Pathogenic (1). 2 of the submissions do not count toward it. Last evaluated 2023-05-02.

Conditions:
Charcot-Marie-Tooth disease type 4C (CMT4C). Also called: CHARCOT-MARIE-TOOTH DISEASE, DEMYELINATING, TYPE 4C; CMT 4C; Charcot-Marie-Tooth Neuropathy Type 4C (CMT4C); CHARCOT-MARIE-TOOTH DISEASE, DEMYELINATING, AUTOSOMAL RECESSIVE, TYPE 4C; SH3TC2-Related Hereditary Motor and Sensory Neuropathy. Identifiers: Orphanet 99949, MedGen C1866636, MONDO:0011113, OMIM 601596.

Submissions (3):

Broad Center for Mendelian Genomics, Broad Institute of MIT and Harvard
Classification: Pathogenic for Charcot-Marie-Tooth disease type 4C. Last evaluated: 2023-05-02. Review status: criteria provided, single submitter. Criteria: ACMG Guidelines, 2015. Collection method: curation. Allele origin: germline. Inheritance: Autosomal recessive inheritance.
Comment: The heterozygous p.Arg583AlafsTer4 variant in SH3TC2 was identified by our study, in the compound heterozygous state with a pathogenic variant (ClinVar Variation ID: 425358), in two siblings with Charcot-Marie-Tooth disease type 4C. Familial exome analysis revealed that this variant was in trans with a pathogenic variant (ClinVar Variation ID: 425358). The p.Arg583AlafsTer4 variant in SH3TC2 has been previously reported in two unrelated individuals with Charcot-Marie-Tooth disease type 4C (PMID: 14574644). These previously reported affected individuals were homozygotes (PMID: 14574644) and the siblings identified by our study were compound heterozygotes who carried a pathogenic variant in trans (ClinVar Variation ID: 425358), which increases the likelihood that the p.Arg583AlafsTer4 variant is pathogenic. This variant has also been reported in ClinVar (Variation ID: 2479) and has been interpreted as pathogenic by OMIM. This variant was absent from large population studies. This variant is predicted to cause a frameshift, which alters the protein‚Äôs amino acid sequence beginning at position 583 and leads to a premature termination codon 4 amino acids downstream. This alteration is then predicted to lead to a truncated or absent protein. Loss of function of the SH3TC2 gene is an established disease mechanism in autosomal recessive Charcot-Marie-Tooth disease type 4C. In summary, this variant meets criteria to be classified as pathogenic for autosomal recessive Charcot-Marie-Tooth disease type 4C. ACMG/AMP Criteria applied: PVS1, PM2_Supporting, PM3_Strong (Richards 2015).

OMIM
Classification: Pathogenic for CHARCOT-MARIE-TOOTH DISEASE, DEMYELINATING, TYPE 4C. Last evaluated: 2003-11-01. Review status: no assertion criteria provided. Collection method: literature only. Allele origin: germline. Not counted in ClinVar's aggregate classification.

GeneReviews
No classification provided. Condition: Charcot-Marie-Tooth disease type 4C. Review status: no classification provided. Collection method: literature only. Allele origin: unknown. Not counted in ClinVar's aggregate classification.

Literature cited by the submitters: PubMed 14574644 (cited by OMIM and GeneReviews); PubMed 20301514 (cited by GeneReviews); NCBI Bookshelf NBK1340 (cited by GeneReviews).

NM_024577.4(SH3TC2):c.1747_1748del (p.Arg583fs)

Gene: SH3TC2 (SH3 domain and tetratricopeptide repeats 2; minus strand). Cytogenetic location: 5q32.
Variant type: Microsatellite.
Coding change: c.1747_1748del on transcript NM_024577.4 (MANE Select); coding-DNA positions 1747 to 1748, 2 bases deleted (AG; older notation c.1747_1748delAG).
Protein change: p.Arg583fs; shifts the reading frame from arginine 583.
Molecular consequence: frameshift variant.
Genome position (GRCh38, 1-based): chr5:149,027,984-149,027,985, CT deleted on the plus strand (AG on the coding strand, the reverse complement: SH3TC2 is on the minus strand); deleting any 2 consecutive bases within chr5:149,027,984-149,027,987 gives the same sequence; the c. name uses the placement nearest the transcript's 3' end. VCF-style (leftmost placement, unchanged base first): chr5-149027983-CCT-C. GRCh37 (hg19) VCF-style: chr5-148407546-CCT-C.
Other names: NM_024577.4(SH3TC2):c.1747_1748del; p.Arg583fs; c.1747_1748delAG (NM_024577.3); short protein forms R583fs.
Identifiers: ClinVar variation 2479 (VCV000002479.5), dbSNP rs80338924, ClinGen allele CA339986.